The following is an entry in ClinVar:

ClinVar aggregate classification (germline): Pathogenic (1 of 4 stars; one submission).

Conditions:
Neuropathy, hereditary sensory and autonomic, type 2A (HSAN2A). Also called: ACROOSTEOLYSIS, GIACCAI TYPE; ACROOSTEOLYSIS, NEUROGENIC; MORVAN DISEASE; NEUROPATHY, CONGENITAL SENSORY; NEUROPATHY, HEREDITARY SENSORY RADICULAR, AUTOSOMAL RECESSIVE; NEUROPATHY, HEREDITARY SENSORY, TYPE IIA. Identifiers: Orphanet 970, MedGen C2752089, MONDO:0024309, OMIM 201300.
Generalized epilepsy with febrile seizures plus, type 7 (GEFSP7). Also called: GEFS+, TYPE 7. Identifiers: Orphanet 36387, MedGen C2751778, MONDO:0013470, OMIM 613863.

Submission:

Labcorp Genetics (formerly Invitae), Labcorp
Classification: Pathogenic for Neuropathy, hereditary sensory and autonomic, type 2A; Generalized epilepsy with febrile seizures plus, type 7. Last evaluated: 2023-05-31. Review status: criteria provided, single submitter. Criteria: Invitae Variant Classification Sherloc (09022015). Collection method: clinical testing. Allele origin: germline.
Comment: For these reasons, this variant has been classified as Pathogenic. This sequence change creates a premature translational stop signal (p.Ala1236Aspfs*6) in the SCN9A gene. It is expected to result in an absent or disrupted protein product. Loss-of-function variants in SCN9A are known to be pathogenic (PMID: 17470132, 19304393). This variant is not present in population databases (gnomAD no frequency). This variant has not been reported in the literature in individuals affected with SCN9A-related conditions.

Literature cited by the submitters: PubMed 17470132; PubMed 19304393.

NM_001365536.1(SCN9A):c.3736_3739dup (p.Ala1247fs)

Genes: SCN1A-AS1 (SCN1A and SCN9A antisense RNA 1; plus strand), SCN9A (sodium voltage-gated channel alpha subunit 9; minus strand). Cytogenetic location: 2q24.3.
Variant type: Duplication.
Coding change: c.3736_3739dup on transcript NM_001365536.1 (MANE Select); coding-DNA positions 3736 to 3739, 4 bases duplicated (ATAG; older notation c.3736_3739dupATAG).
Protein change: p.Ala1247fs; shifts the reading frame from alanine 1247.
Molecular consequence: frameshift variant.
Genome position (GRCh38, 1-based): chr2:166,238,156-166,238,159, CTAT duplicated on the plus strand (ATAG on the coding strand, the reverse complement: SCN9A is on the minus strand); duplicating any 4 consecutive bases within chr2:166,238,156-166,238,160 gives the same sequence; the c. name uses the placement nearest the transcript's 3' end. VCF-style (leftmost placement, unchanged base first): chr2-166238155-G-GCTAT. GRCh37 (hg19) VCF-style: chr2-167094665-G-GCTAT.
Other names: c.3702_3705dup, p.Ala1236Aspfs (NM_002977.4); short protein forms A1236fs, A1247fs.
Identifiers: ClinVar variation 2936911 (VCV002936911.3), dbSNP rs2469006163, ClinGen allele CA2740095795.
Genomic context (GRCh38, chr2:166,238,155, plus strand): 5'-TCAACAATTAGGAAATCCAGCCAACACCAGGCATTGGTGAAATATGTTTTATAACCATAT[G>GCTAT]CTATCCATTTTAGAAGCATTTCCAGAATGAAGATGTAAGTGAAGATCTTGTCTGCATACT-3'